The following is an entry in ClinVar:

ClinVar aggregate classification (germline): Benign. Review status: criteria provided, multiple submitters, no conflicts (2 of 4 stars). 2 submissions from 2 submitters: Benign (2). Last evaluated 2020-02-18.

Allele frequency attached by ClinVar (database versions not stated): 1000 Genomes Project 0.37859; 1000 Genomes Project 30x 0.38210; TOPMed 0.44106; gnomAD exomes 0.60417.

Submissions (2):

GeneDx
Classification: Benign. Last evaluated: 2020-02-18. Review status: criteria provided, single submitter. Criteria: GeneDx Variant Classification Process June 2021. Collection method: clinical testing. Allele origin: germline. Affected: yes.
Comment: This variant is associated with the following publications: (PMID: 22695889)

Breakthrough Genomics
Classification: Benign. Review status: criteria provided, single submitter. Criteria: ACMG Guidelines, 2015. Collection method: not provided. Allele origin: germline. Inheritance: Unknown mechanism. Affected: yes.

NC_000005.10:g.40679743A>G

Genes: PTGER4 (prostaglandin E receptor 4; plus strand), LOC129993833 (ATAC-STARR-seq lymphoblastoid silent region 15982; plus strand). Cytogenetic location: 5p13.1.
Variant type: single nucleotide variant.
Genome position: GRCh38 VCF-style: chr5-40679743-A-G. GRCh37 (hg19) VCF-style: chr5-40679845-A-G.
Identifiers: ClinVar variation 1234730 (VCV001234730.5), dbSNP rs45613037, ClinGen allele CA117741064.